The following is an entry in ClinVar:

NM_001365308.1(BMPER):c.197C>T (p.Pro66Leu)

Gene: BMPER (BMP binding endothelial regulator; plus strand). Cytogenetic location: 7p14.3.
Variant type: single nucleotide variant.
Coding change: c.197C>T on transcript NM_001365308.1 (MANE Select); coding-DNA position 197, C replaced by T.
Protein change: p.Pro66Leu; replaces proline 66 with leucine.
Molecular consequence: missense variant.
Genome position (GRCh38, 1-based): chr7:33,906,881, C>T. VCF-style: chr7-33906881-C-T. GRCh37 (hg19) VCF-style: chr7-33946493-C-T.
Other names: c.197C>T, p.Pro66Leu (NM_001410872.1, NM_133468.5); short protein forms P66L.
Identifiers: ClinVar variation 1967556 (VCV001967556.5), dbSNP rs763059996, ClinGen allele CA4214936.
Genomic context (GRCh38, chr7:33,906,881, plus strand): 5'-CTGTTGCAAAATGTGAAAATGAAGGTGAAGTCCTCCAGATTCCATTTATCACAGACAACC[C>T]TTGCATAATGTGTGTCTGCTTGGTAAGTGTGGAGATCAGGTAATATGAACTCAACTGCTC-3'
Protein context (NP_001352237.1, residues 56-76): VLQIPFITDN[Pro66Leu]CIMCVCLNKE

ClinVar aggregate classification (germline): Uncertain significance (1 of 4 stars; one submission).

Allele frequency attached by ClinVar (database versions not stated): gnomAD exomes below 0.00001; ExAC 0.00002.
gnomAD v4.1: 1 of 1,613,574 alleles (0.000062%); highest among the groups gnomAD compares: Non-Finnish European, 0.000085%; no homozygotes.

Submission:

Labcorp Genetics (formerly Invitae), Labcorp
Classification: Uncertain significance. Last evaluated: 2022-04-25. Review status: criteria provided, single submitter. Criteria: Invitae Variant Classification Sherloc (09022015). Collection method: clinical testing. Allele origin: germline.
Comment: This variant has not been reported in the literature in individuals affected with BMPER-related conditions. This variant is present in population databases (rs763059996, gnomAD 0.003%). This sequence change replaces proline, which is neutral and non-polar, with leucine, which is neutral and non-polar, at codon 66 of the BMPER protein (p.Pro66Leu). Algorithms developed to predict the effect of missense changes on protein structure and function are either unavailable or do not agree on the potential impact of this missense change (SIFT: "Deleterious"; PolyPhen-2: "Possibly Damaging"; Align-GVGD: "Class C0"). In summary, the available evidence is currently insufficient to determine the role of this variant in disease. Therefore, it has been classified as a Variant of Uncertain Significance.